The following is an entry in ClinVar:

NM_002968.3(SALL1):c.952_953del (p.Pro318fs)

Gene: SALL1 (spalt like transcription factor 1; minus strand). Cytogenetic location: 16q12.1.
Variant type: Deletion.
Coding change: c.952_953del on transcript NM_002968.3 (MANE Select); coding-DNA positions 952 to 953, 2 bases deleted (CC; older notation c.952_953delCC).
Protein change: p.Pro318fs; shifts the reading frame from proline 318.
Molecular consequence: frameshift variant.
Genome position (GRCh38, 1-based): chr16:51,141,269-51,141,270, GG deleted on the plus strand (CC on the coding strand, the reverse complement: SALL1 is on the minus strand); deleting any 2 consecutive bases within chr16:51,141,269-51,141,273 gives the same sequence; the c. name uses the placement nearest the transcript's 3' end. VCF-style (leftmost placement, unchanged base first): chr16-51141268-TGG-T. GRCh37 (hg19) VCF-style: chr16-51175179-TGG-T.
Other names: c.661_662del, p.Pro221fs (NM_001127892.2); short protein forms P221fs, P318fs.
Identifiers: ClinVar variation 3764693 (VCV003764693.2).

ClinVar aggregate classification (germline): Pathogenic (1 of 4 stars; one submission).

Conditions:
Townes-Brocks syndrome 1 (TBS1). Also called: SALL1-Related Townes-Brocks Syndrome; DEAFNESS, SENSORINEURAL, WITH IMPERFORATE ANUS AND THUMB ANOMALIES; REAR SYNDROME; RENAL-EAR-ANAL-RADIAL SYNDROME. Identifiers: Orphanet 857, MedGen C4551481, MONDO:0054581, OMIM 107480.

Submission:

Juno Genomics, Hangzhou Juno Genomics, Inc
Classification: Pathogenic for Townes-Brocks syndrome 1. Review status: criteria provided, single submitter. Criteria: ACMG Guidelines, 2015. Collection method: clinical testing. Allele origin: germline. Affected: yes.
Comment: Absent from controls (or at extremely low frequency if recessive) in Genome Aggregation Database, Exome Sequencing Project, 1000 Genomes Project, or Exome Aggregation Consortium.;De novo (both maternity and paternity confirmed) in a patient with the disease and no family history.;Null variant in a gene where loss of function (LOF) is a known mechanism of disease.